The following is an entry in ClinVar:

NM_017636.4(TRPM4):c.2211-5C>A

Gene: TRPM4 (transient receptor potential cation channel subfamily M member 4; plus strand). Cytogenetic location: 19q13.33.
Variant type: single nucleotide variant.
Coding change: c.2211-5C>A on transcript NM_017636.4 (MANE Select); 5 bases into the intron before coding-DNA position 2211, C replaced by A.
Molecular consequence: intron variant.
Genome position (GRCh38, 1-based): chr19:49,196,435, C>A. VCF-style: chr19-49196435-C-A. GRCh37 (hg19) VCF-style: chr19-49699692-C-A.
Other names: c.2211-3865C>A (NM_001195227.2); c.603-5C>A (NM_001321282.2); c.1866-5C>A (NM_001321281.2); c.1689-5C>A (NM_001321283.2); c.1149-5C>A (NM_001321285.2).
Identifiers: ClinVar variation 758906 (VCV000758906.10), dbSNP rs749307006, ClinGen allele CA309454800.

ClinVar aggregate classification (germline): Conflicting classifications of pathogenicity. Review status: criteria provided, conflicting classifications (1 of 4 stars). 2 submissions from 2 submitters: Uncertain significance (1); Likely benign (1). Last evaluated 2025-07-30.

Conditions:
Cardiovascular phenotype. Identifiers: MedGen CN230736.
Progressive familial heart block type IB (PFHB1B). Identifiers: Orphanet 871, MedGen C1970298, MONDO:0011474, OMIM 604559.

Allele frequency attached by ClinVar (database versions not stated): gnomAD 0.00001; TOPMed 0.00006.
gnomAD v4.1: 10 of 1,536,018 alleles (0.00065%); highest among the groups gnomAD compares: African/African-American, 0.0027%; no homozygotes.

Submissions (2):

Labcorp Genetics (formerly Invitae), Labcorp
Classification: Likely benign for Progressive familial heart block type IB. Last evaluated: 2025-07-30. Review status: criteria provided, single submitter. Criteria: Invitae Variant Classification Sherloc (09022015). Collection method: clinical testing. Allele origin: germline.

Ambry Genetics
Classification: Uncertain significance for Cardiovascular phenotype. Last evaluated: 2023-09-23. Review status: criteria provided, single submitter. Criteria: Ambry Variant Classification Scheme 2023. Collection method: clinical testing. Allele origin: germline.
Comment: The c.2211-5C>A intronic variant results from a C to A substitution 5 nucleotides upstream from coding exon 17 in the TRPM4 gene. This nucleotide position is not well conserved in available vertebrate species. In silico splice site analysis predicts that this alteration will not have any significant effect on splicing. Since supporting evidence is limited at this time, the clinical significance of this alteration remains unclear.